The following is an entry in ClinVar:

NM_000492.4(CFTR):c.-226G>T

Genes: CFTR (CF transmembrane conductance regulator; plus strand), LOC111674463 (CFTR promoter region; plus strand). Cytogenetic location: 7q31.2.
Variant type: single nucleotide variant.
Coding change: c.-226G>T on transcript NM_000492.4 (MANE Select); 226 bases upstream of the start codon, G replaced by T.
Genome position (GRCh38, 1-based): chr7:117,479,869, G>T. VCF-style: chr7-117479869-G-T. GRCh37 (hg19) VCF-style: chr7-117119923-G-T.
Identifiers: ClinVar variation 51031 (VCV000051031.34), dbSNP rs73717525, ClinGen allele CA325805.

ClinVar aggregate classification (germline): Conflicting classifications of pathogenicity. Review status: criteria provided, conflicting classifications (1 of 4 stars). 7 submissions from 7 submitters: Uncertain significance (4); Benign (1); Likely benign (2). Last evaluated 2026-06-03.

Conditions:
Cystic fibrosis (CF). Also called: MUCOVISCIDOSIS. Identifiers: Orphanet 586, MedGen C0010674, MONDO:0009061, OMIM 219700. Disease mechanism: loss of function.

Allele frequency attached by ClinVar (database versions not stated): gnomAD 0.00395 and 0.00422; 1000 Genomes Project 0.00359; 1000 Genomes Project 30x 0.00406; TOPMed 0.00456.

Submissions (7):

GeneDx
Classification: Uncertain significance. Last evaluated: 2026-06-03. Review status: criteria provided, single submitter. Criteria: GeneDx Variant Classification Process June 2021. Collection method: clinical testing. Allele origin: germline.
Comment: Identified in individuals with cystic fibrosis in published literature, but in whom a second CFTR variant was either not detected or not specified (PMID: 10204861, 31665830, 18832460); Published functional studies demonstrate decreased Sp1 and USF DNA-binding and decreased transcriptional activity in one study that utilized a core promoter construct, but the associated transcriptional activity was not significantly different from wild type in a second study that utilized a full-length promoter construct (PMID: 17678620, 21948798); Describes a nucleotide substitution 226 basepairs upstream of the ATG translational start site in the 5' untranslated region (UTR); Located in a regulatory region; in the absence of functional studies, the actual effect of this sequence change is unknown; Also known as c.-94G>T; This variant is associated with the following publications: (PMID: 12939925, 26656651, 11168023, 31665830, 18832460, 21948798, 10204861, 37313453, 17678620)

ARUP Laboratories, Molecular Genetics and Genomics, ARUP Laboratories
Classification: Likely benign. Last evaluated: 2025-07-04. Review status: criteria provided, single submitter. Criteria: ARUP Molecular Germline Variant Investigation Process 2024. Collection method: clinical testing. Allele origin: germline.

Quest Diagnostics Nichols Institute San Juan Capistrano
Classification: Uncertain significance. Last evaluated: 2024-04-04. Review status: criteria provided, single submitter. Criteria: Quest Diagnostics criteria. Collection method: clinical testing. Allele origin: unknown.
Comment: The CFTR c.-266G>T variant has been reported in the published literature in individuals with cystic fibrosis (CF) (PMIDs: 31665830 (2020), 18832460 (2008), 11168023 (2001), 10204861 (1999)). Functional studies indicate this variant may impact promoter activity but further evidence is needed to understand the global impact of this variant on disease (PMIDs: 17678620 (2007), 21948798 (2012)). The frequency of this variant in the general population, 0.014 (117/8656 chromosomes (Genome Aggregation Database)), is uninformative in the assessment of its pathogenicity. Based on the available information, we are unable to determine the clinical significance of this variant.

Labcorp Genetics (formerly Invitae), Labcorp
Classification: Likely benign for Cystic fibrosis. Last evaluated: 2023-04-26. Review status: criteria provided, single submitter. Criteria: Invitae Variant Classification Sherloc (09022015). Collection method: clinical testing. Allele origin: germline.

Revvity Omics, Revvity
Classification: Uncertain significance. Last evaluated: 2021-12-02. Review status: criteria provided, single submitter. Criteria: ACMG Guidelines, 2015. Collection method: clinical testing. Allele origin: germline.

Eurofins Ntd Llc (ga)
Classification: Uncertain significance. Last evaluated: 2018-06-15. Review status: criteria provided, single submitter. Criteria: EGL ClinVar v180209 classification definitions. Collection method: clinical testing. Allele origin: germline. Observed: 20 variant alleles, 20 heterozygotes.

Ambry Genetics
Classification: Benign for Cystic fibrosis. Last evaluated: 2015-08-12. Review status: criteria provided, single submitter. Criteria: Ambry Variant Classification Scheme 2023. Collection method: clinical testing. Allele origin: germline.

Literature cited by the submitters: PubMed 31665830 (cited by Quest Diagnostics Nichols Institute San Juan Capistrano); PubMed 17678620 (cited by Quest Diagnostics Nichols Institute San Juan Capistrano); PubMed 11168023 (cited by Quest Diagnostics Nichols Institute San Juan Capistrano); PubMed 18832460 (cited by Quest Diagnostics Nichols Institute San Juan Capistrano); PubMed 21948798 (cited by Quest Diagnostics Nichols Institute San Juan Capistrano); PubMed 10204861 (cited by Quest Diagnostics Nichols Institute San Juan Capistrano); PubMed 12939925 (cited by Quest Diagnostics Nichols Institute San Juan Capistrano); PubMed 15025720 (cited by Quest Diagnostics Nichols Institute San Juan Capistrano); PubMed 11523757 (cited by Quest Diagnostics Nichols Institute San Juan Capistrano); PubMed 26656651 (cited by Quest Diagnostics Nichols Institute San Juan Capistrano); PubMed 25266997 (cited by Quest Diagnostics Nichols Institute San Juan Capistrano).